The following is an entry in ClinVar:

NM_032638.5(GATA2):c.473C>G (p.Ser158Cys)

Gene: GATA2 (GATA binding protein 2; minus strand). Cytogenetic location: 3q21.3.
Variant type: single nucleotide variant.
Coding change: c.473C>G on transcript NM_032638.5 (MANE Select); coding-DNA position 473, C replaced by G.
Protein change: p.Ser158Cys; replaces serine 158 with cysteine.
Molecular consequence: missense variant.
Genome position (GRCh38, 1-based): chr3:128,486,125, G>C on the plus strand (C>G on the coding strand, the complement: GATA2 is on the minus strand). VCF-style: chr3-128486125-G-C. GRCh37 (hg19) VCF-style: chr3-128204968-G-C.
Other names: c.473C>G, p.Ser158Cys (NM_001145661.2, NM_001145662.1); short protein forms S158C.
Identifiers: ClinVar variation 3753186 (VCV003753186.2).

ClinVar aggregate classification (germline): Uncertain significance (1 of 4 stars; one submission).

Conditions:
Deafness-lymphedema-leukemia syndrome. Also called: Emberger syndrome; Lymphedema, primary, with myelodysplasia. Identifiers: Orphanet 3226, MedGen C3279664, MONDO:0013540, OMIM 614038.
Monocytopenia with susceptibility to infections. Also called: MONOCYTOPENIA AND MYCOBACTERIAL INFECTION SYNDROME; MONOCYTOPENIA WITH SUSCEPTIBILITY TO MYCOBACTERIAL, FUNGAL, AND PAPILLOMAVIRUS INFECTIONS AND MYELODYSPLASIA; COMBINED IMMUNODEFICIENCY WITH SUSCEPTIBILITY TO MYCOBACTERIAL, VIRAL, AND FUNGAL INFECTIONS; Dendritic cell, monocyte, B lymphocyte, and natural killer lymphocyte deficiency; IMMUNODEFICIENCY 21; GATA2 DEFICIENCY. Identifiers: Orphanet 228423, MedGen C3280030, MONDO:0013607, OMIM 614172.

Submission:

Labcorp Genetics (formerly Invitae), Labcorp
Classification: Uncertain significance for Monocytopenia with susceptibility to infections; Deafness-lymphedema-leukemia syndrome. Last evaluated: 2024-12-18. Review status: criteria provided, single submitter. Criteria: Invitae Variant Classification Sherloc (09022015). Collection method: clinical testing. Allele origin: germline.
Comment: This sequence change replaces serine, which is neutral and polar, with cysteine, which is neutral and slightly polar, at codon 158 of the GATA2 protein (p.Ser158Cys). This variant is not present in population databases (gnomAD no frequency). This variant has not been reported in the literature in individuals affected with GATA2-related conditions. Invitae Evidence Modeling of protein sequence and biophysical properties (such as structural, functional, and spatial information, amino acid conservation, physicochemical variation, residue mobility, and thermodynamic stability) has been performed for this missense variant. However, the output from this modeling did not meet the statistical confidence thresholds required to predict the impact of this variant on GATA2 protein function. In summary, the available evidence is currently insufficient to determine the role of this variant in disease. Therefore, it has been classified as a Variant of Uncertain Significance.